The following is an entry in ClinVar:

ClinVar aggregate classification (germline): Uncertain significance. Review status: criteria provided, multiple submitters, no conflicts (2 of 4 stars). 2 submissions from 2 submitters: Uncertain significance (2). Last evaluated 2024-10-03.

Conditions:
Hereditary cancer-predisposing syndrome. Also called: Neoplastic Syndromes, Hereditary; Tumor predisposition; Hereditary neoplastic syndrome; Hereditary Cancer Syndrome. Identifiers: Orphanet 140162, MedGen C0027672, MeSH D009386, MONDO:0015356.

Submissions (2):

Labcorp Genetics (formerly Invitae), Labcorp
Classification: Uncertain significance. Last evaluated: 2024-10-03. Review status: criteria provided, single submitter. Criteria: Invitae Variant Classification Sherloc (09022015). Collection method: clinical testing. Allele origin: germline.
Comment: This sequence change replaces proline, which is neutral and non-polar, with arginine, which is basic and polar, at codon 1601 of the POLE protein (p.Pro1601Arg). This variant is not present in population databases (gnomAD no frequency). This variant has not been reported in the literature in individuals affected with POLE-related conditions. ClinVar contains an entry for this variant (Variation ID: 662233). Invitae Evidence Modeling of protein sequence and biophysical properties (such as structural, functional, and spatial information, amino acid conservation, physicochemical variation, residue mobility, and thermodynamic stability) indicates that this missense variant is not expected to disrupt POLE protein function with a negative predictive value of 80%. In summary, the available evidence is currently insufficient to determine the role of this variant in disease. Therefore, it has been classified as a Variant of Uncertain Significance.

Ambry Genetics
Classification: Uncertain significance for Hereditary cancer-predisposing syndrome. Last evaluated: 2024-01-29. Review status: criteria provided, single submitter. Criteria: Ambry Variant Classification Scheme 2023. Collection method: clinical testing. Allele origin: germline.
Comment: The p.P1601R variant (also known as c.4802C>G), located in coding exon 37 of the POLE gene, results from a C to G substitution at nucleotide position 4802. The proline at codon 1601 is replaced by arginine, an amino acid with dissimilar properties. This amino acid position is conserved. In addition, the in silico prediction for this alteration is inconclusive. Based on the available evidence, the clinical significance of this alteration remains unclear.

NM_006231.4(POLE):c.4802C>G (p.Pro1601Arg)

Gene: POLE (DNA polymerase epsilon, catalytic subunit; minus strand). Cytogenetic location: 12q24.33.
Variant type: single nucleotide variant.
Coding change: c.4802C>G on transcript NM_006231.4 (MANE Select); coding-DNA position 4802, C replaced by G.
Protein change: p.Pro1601Arg; replaces proline 1601 with arginine.
Molecular consequence: missense variant.
Genome position (GRCh38, 1-based): chr12:132,642,656, G>C on the plus strand (C>G on the coding strand, the complement: POLE is on the minus strand). VCF-style: chr12-132642656-G-C. GRCh37 (hg19) VCF-style: chr12-133219242-G-C.
Other names: c.4802C>G (NM_006231.2); short protein forms P1601R.
Identifiers: ClinVar variation 662233 (VCV000662233.9), dbSNP rs1593731286, ClinGen allele CA387378340.